The following is an entry in ClinVar:

ClinVar aggregate classification (germline): Likely pathogenic (1 of 4 stars; one submission).

Conditions:
Bardet-Biedl syndrome 12 (BBS12). Identifiers: Orphanet 110, MedGen C1859570, MONDO:0014440, OMIM 615989.

Submission:

Natera, Inc.
Classification: Likely pathogenic for Bardet-Biedl syndrome type 12. Last evaluated: 2025-11-24. Review status: criteria provided, single submitter. Criteria: Natera Variant Classification Schema (03/2026). Collection method: clinical testing. Allele origin: germline.
Comment: The c.798_808del variant in BBS12 is a frameshift variant predicted to shift the reading frame beginning at codon 266 and leads to a stop codon 42 codons downstream. This variant is expected to result in nonsense mediated decay, truncation, or a dysfunctional protein product. This variant is rare in the general population with a frequency below the threshold expected for the associated phenotype(s). Given the available evidence, this variant is classified as Likely Pathogenic.

NM_152618.3(BBS12):c.798_808del (p.Asn266fs)

Gene: BBS12 (Bardet-Biedl syndrome 12; plus strand). Cytogenetic location: 4q27.
Variant type: Deletion.
Coding change: c.798_808del on transcript NM_152618.3 (MANE Select); coding-DNA positions 798 to 808, 11 bases deleted (TGATTTGGTAG).
Protein change: p.Asn266fs; shifts the reading frame from asparagine 266.
Molecular consequence: frameshift variant.
Genome position (GRCh38, 1-based): chr4:122,742,690-122,742,700, TGATTTGGTAG deleted. VCF-style (leftmost placement, unchanged base first): chr4-122742689-ATGATTTGGTAG-A. GRCh37 (hg19) VCF-style: chr4-123663844-ATGATTTGGTAG-A.
Other names: c.798_808del, p.Asn266fs (NM_001178007.2); short protein forms N266fs.
Identifiers: ClinVar variation 4816891 (VCV004816891.1).
Genomic context (GRCh38, chr4:122,742,689, plus strand): 5'-TAAGCAAACCAGATGGATTTCAAGAACATGTTACAGCTACTCACAAAACTTACAGATGTA[ATGATTTGGTAG>A]AGTTGGCAGTAGGCTTGAGTCATGGAGATCACAGCAGCATGAAGTTAGTAGAAGAAGCAG-3'